The following is an entry in ClinVar:

NM_000138.5(FBN1):c.3925A>G (p.Met1309Val)

Gene: FBN1 (fibrillin 1; minus strand). Cytogenetic location: 15q21.1.
Variant type: single nucleotide variant.
Coding change: c.3925A>G on transcript NM_000138.5 (MANE Select); coding-DNA position 3925, A replaced by G.
Protein change: p.Met1309Val; replaces methionine 1309 with valine.
Molecular consequence: missense variant.
Genome position (GRCh38, 1-based): chr15:48,481,694, T>C on the plus strand (A>G on the coding strand, the complement: FBN1 is on the minus strand). VCF-style: chr15-48481694-T-C. GRCh37 (hg19) VCF-style: chr15-48773891-T-C.
Other names: short protein forms M1309V.
Identifiers: ClinVar variation 923162 (VCV000923162.5), dbSNP rs2043466374, ClinGen allele CA392322275.

ClinVar aggregate classification (germline): Uncertain significance. Review status: criteria provided, multiple submitters, no conflicts (2 of 4 stars). 2 submissions from 2 submitters: Uncertain significance (2). Last evaluated 2024-02-22.

Conditions:
Marfan syndrome (MFS). Also called: Marfan syndrome, classic; Marfan syndrome type 1; Marfan's syndrome; FBN1-Related Marfan Syndrome; MARFAN SYNDROME, TYPE I. Identifiers: Orphanet 284963, Orphanet 558, MedGen C0024796, MONDO:0007947, OMIM 154700.
Familial thoracic aortic aneurysm and aortic dissection (TAAD). Also called: Thoracic aortic aneurysms and dissections. Identifiers: Orphanet 91387, MedGen C4707243, MONDO:0019625.

Allele frequency attached by ClinVar (database versions not stated): gnomAD exomes below 0.00001.

Submissions (2):

All of Us Research Program, National Institutes of Health
Classification: Uncertain significance for Marfan syndrome. Last evaluated: 2024-02-22. Review status: criteria provided, single submitter. Criteria: ACMG Guidelines, 2015. Collection method: clinical testing. Allele origin: germline. Inheritance: Autosomal dominant inheritance. Observed: 1 variant allele, 1 heterozygote.
Comment: This missense variant replaces methionine with valine at codon 1309 of the FBN1 protein. Computational prediction tool suggests that this variant may not impact protein structure and function (internally defined REVEL score threshold <=0.5, PMID: 27666373). Splice site prediction tools suggest that this variant may not impact RNA splicing. To our knowledge, functional studies have not been performed for this variant. This variant has not been reported in individuals affected with cardiovascular disorders in the literature. This variant has not been identified in the general population by the Genome Aggregation Database (gnomAD). The available evidence is insufficient to determine the role of this variant in disease conclusively. Therefore, this variant is classified as a Variant of Uncertain Significance.

This study involves interpretation of variants in research participants for the purpose of population health screening. Participant phenotype was not available at the time of variant classification. Additional details can be found in publication PMID: 35346344, PMCID: PMC8962531

Color Diagnostics, LLC DBA Color Health
Classification: Uncertain significance for Familial thoracic aortic aneurysm and aortic dissection. Last evaluated: 2024-02-09. Review status: criteria provided, single submitter. Criteria: ACMG Guidelines, 2015. Collection method: clinical testing. Allele origin: germline.
Comment: This missense variant replaces methionine with valine at codon 1309 of the FBN1 protein. Computational prediction tools indicate that this variant has a neutral impact on protein structure and function. To our knowledge, functional studies have not been reported for this variant. This variant has not been reported in individuals affected with FBN1-related disorders in the literature. This variant has not been identified in the general population by the Genome Aggregation Database (gnomAD). The available evidence is insufficient to determine the role of this variant in disease conclusively. Therefore, this variant is classified as a Variant of Uncertain Significance.